The following is an entry in ClinVar:

ClinVar aggregate classification (germline): Benign. Review status: criteria provided, single submitter (1 of 4 stars). 2 submissions from 1 submitter: Benign (2). Last evaluated 2018-01-12.

Conditions:
Lethal arthrogryposis-anterior horn cell disease syndrome (CAAHD). Also called: CONGENITAL ARTHROGRYPOSIS WITH ANTERIOR HORN CELL DISEASE. Identifiers: Orphanet 53696, MedGen C5193016, MONDO:0012750, OMIM 611890.
Lethal congenital contracture syndrome 1 (LCCS1). Also called: MULTIPLE CONTRACTURE SYNDROME, FINNISH TYPE. Identifiers: Orphanet 1486, MedGen C1854664, MONDO:0009670, OMIM 253310.

Allele frequency attached by ClinVar (database versions not stated): gnomAD 0.00804 and 0.00964; TOPMed 0.01288; 1000 Genomes Project 0.02915; 1000 Genomes Project 30x 0.02936.

Submissions (2):

Illumina Laboratory Services, Illumina
Classification: Benign for Lethal arthrogryposis-anterior horn cell disease syndrome. Last evaluated: 2018-01-12. Review status: criteria provided, single submitter. Criteria: ICSL Variant Classification Criteria 13 December 2019. Collection method: clinical testing. Allele origin: germline.
Comment: This variant was observed in the ICSL laboratory as part of a predisposition screen in an ostensibly healthy population. It had not been previously curated by ICSL or reported in the Human Gene Mutation Database (HGMD: prior to June 1st, 2018), and was therefore a candidate for classification through an automated scoring system. Utilizing variant allele frequency, disease prevalence and penetrance estimates, and inheritance mode, an automated score was calculated to assess if this variant is too frequent to cause the disease. Based on the score and internal cut-off values, a variant classified as benign is not then subjected to further curation. The score for this variant resulted in a classification of benign for this disease.

Illumina Laboratory Services, Illumina
Classification: Benign for Lethal congenital contracture syndrome 1. Last evaluated: 2018-01-12. Review status: criteria provided, single submitter. Criteria: ICSL Variant Classification Criteria 13 December 2019. Collection method: clinical testing. Allele origin: germline.
Comment: the same text as in the submission from Illumina Laboratory Services, Illumina above.

NM_001003722.2(GLE1):c.*1005T>C

Genes: GLE1 (GLE1 RNA export mediator; plus strand), LOC101929270 (uncharacterized LOC101929270; minus strand). Cytogenetic location: 9q34.11.
Variant type: single nucleotide variant.
Coding change: c.*1005T>C on transcript NM_001003722.2 (MANE Select); 1005 bases downstream of the stop codon, T replaced by C.
Molecular consequence: 3 prime UTR variant.
Genome position (GRCh38, 1-based): chr9:128,542,175, T>C. VCF-style: chr9-128542175-T-C. GRCh37 (hg19) VCF-style: chr9-131304454-T-C.
Identifiers: ClinVar variation 365147 (VCV000365147.5), dbSNP rs4466499, ClinGen allele CA10632748.
Genomic context (GRCh38, chr9:128,542,175, plus strand): 5'-TACTGCAGAGGCAGTGGCCATGGATCTGTTCCTCTGTGCTAAATGTCTTGTGGCAGGGTG[T>C]GTTTGTGGGGGAGTGTTCACTGGTACTCTTGAGTGGCCTGAAGTGACCCATTCTATGAAT-3'